The following is an entry in ClinVar:

ClinVar aggregate classification (germline): Pathogenic/Likely pathogenic. Review status: criteria provided, multiple submitters, no conflicts (2 of 4 stars). 2 submissions from 2 submitters: Pathogenic (1); Likely pathogenic (1). Last evaluated 2023-05-31.

Conditions:
Hereditary cancer-predisposing syndrome. Also called: Neoplastic Syndromes, Hereditary; Tumor predisposition; Hereditary Cancer Syndrome; Hereditary neoplastic syndrome. Identifiers: Orphanet 140162, MedGen C0027672, MeSH D009386, MONDO:0015356.
Aplastic anemia. Identifiers: Orphanet 182040, Orphanet 88, MedGen C0002874, MONDO:0015909, OMIM 609135, HP:0001915.

Submissions (2):

Baylor Genetics
Classification: Likely pathogenic for Aplastic anemia. Last evaluated: 2023-05-31. Review status: criteria provided, single submitter. Criteria: ACMG Guidelines, 2015. Collection method: clinical testing. Allele origin: unknown.

Ambry Genetics
Classification: Pathogenic for Hereditary cancer-predisposing syndrome. Last evaluated: 2019-09-17. Review status: criteria provided, single submitter. Criteria: Ambry Variant Classification Scheme 2023. Collection method: clinical testing. Allele origin: germline.
Comment: The c.1651delA pathogenic mutation, located in coding exon 11 of the NBN gene, results from a deletion of one nucleotide at nucleotide position 1651, causing a translational frameshift with a predicted alternate stop codon (p.R551Gfs*8). This alteration is expected to result in loss of function by premature protein truncation or nonsense-mediated mRNA decay. As such, this alteration is interpreted as a disease-causing mutation.

NM_002485.5(NBN):c.1651del (p.Arg551fs)

Gene: NBN (nibrin; minus strand). Cytogenetic location: 8q21.3.
Variant type: Deletion.
Coding change: c.1651del on transcript NM_002485.5 (MANE Select); coding-DNA position 1651, one base deleted (A; older notation c.1651delA).
Protein change: p.Arg551fs; shifts the reading frame from arginine 551.
Molecular consequence: frameshift variant.
Genome position (GRCh38, 1-based): chr8:89,953,438, T deleted on the plus strand (A on the coding strand, the reverse complement: NBN is on the minus strand); the first of 7 consecutive T bases (chr8:89,953,438-89,953,444); deleting any one gives the same sequence. VCF-style (leftmost placement, unchanged base first): chr8-89953437-CT-C. GRCh37 (hg19) VCF-style: chr8-90965665-CT-C.
Other names: c.1405del, p.Arg469fs (NM_001024688.3); c.1651delA (NM_002485.4); short protein forms R469fs, R551fs.
Identifiers: ClinVar variation 1777265 (VCV001777265.3), dbSNP rs766044684, ClinGen allele CA462114626.